The following is an entry in ClinVar:

NM_001160148.2(DDHD1):c.284A>C (p.Glu95Ala)

Gene: DDHD1 (DDHD domain containing 1; minus strand). Cytogenetic location: 14q22.1.
Variant type: single nucleotide variant.
Coding change: c.284A>C on transcript NM_001160148.2 (MANE Select); coding-DNA position 284, A replaced by C.
Protein change: p.Glu95Ala; replaces glutamic acid 95 with alanine.
Molecular consequence: missense variant.
Genome position (GRCh38, 1-based): chr14:53,152,815, T>G on the plus strand (A>C on the coding strand, the complement: DDHD1 is on the minus strand). VCF-style: chr14-53152815-T-G. GRCh37 (hg19) VCF-style: chr14-53619533-T-G.
Other names: c.284A>C, p.Glu95Ala (NM_001160147.2, NM_030637.3); short protein forms E95A.
Identifiers: ClinVar variation 1387418 (VCV001387418.6), dbSNP rs941823104, ClinGen allele CA261383506.

ClinVar aggregate classification (germline): Uncertain significance (1 of 4 stars; one submission).

Conditions:
Hereditary spastic paraplegia 28. Also called: Spastic paraplegia 28, autosomal recessive. Identifiers: Orphanet 101008, MedGen C1836295, MONDO:0012256, OMIM 609340.

Allele frequency attached by ClinVar (database versions not stated): gnomAD exomes below 0.00001.
gnomAD v4.1: 3 of 1,609,846 alleles (0.00019%); no homozygotes.

Submission:

Labcorp Genetics (formerly Invitae), Labcorp
Classification: Uncertain significance for Hereditary spastic paraplegia 28. Last evaluated: 2025-10-02. Review status: criteria provided, single submitter. Criteria: Invitae Variant Classification Sherloc (09022015). Collection method: clinical testing. Allele origin: germline.
Comment: This sequence change replaces glutamic acid, which is acidic and polar, with alanine, which is neutral and non-polar, at codon 95 of the DDHD1 protein (p.Glu95Ala). This variant is not present in population databases (gnomAD no frequency). This variant has not been reported in the literature in individuals affected with DDHD1-related conditions. ClinVar contains an entry for this variant (Variation ID: 1387418). An algorithm developed to predict the effect of missense changes on protein structure and function (PolyPhen-2) suggests that this variant is likely to be disruptive. In summary, the available evidence is currently insufficient to determine the role of this variant in disease. Therefore, it has been classified as a Variant of Uncertain Significance.